The following is an entry in ClinVar:

ClinVar aggregate classification (germline): Uncertain significance (1 of 4 stars; one submission).

Conditions:
Familial cancer of breast. Also called: BREAST CANCER, FAMILIAL; hereditary breast carcinoma; Hereditary breast cancer. Identifiers: Orphanet 227535, MedGen C0346153, MONDO:0016419, OMIM 114480. Disease mechanism: loss of function.

Submission:

Labcorp Genetics (formerly Invitae), Labcorp
Classification: Uncertain significance for Familial cancer of breast. Last evaluated: 2025-10-07. Review status: criteria provided, single submitter. Criteria: Invitae Variant Classification Sherloc (09022015). Collection method: clinical testing. Allele origin: germline.
Comment: This sequence change replaces tryptophan, which is neutral and slightly polar, with leucine, which is neutral and non-polar, at codon 34 of the BARD1 protein (p.Trp34Leu). This variant is not present in population databases (gnomAD no frequency). This variant has not been reported in the literature in individuals affected with BARD1-related conditions. ClinVar contains an entry for this variant (Variation ID: 2819092). An algorithm developed to predict the effect of missense changes on protein structure and function (PolyPhen-2) suggests that this variant is likely to be disruptive. In summary, the available evidence is currently insufficient to determine the role of this variant in disease. Therefore, it has been classified as a Variant of Uncertain Significance.

NM_000465.4(BARD1):c.101G>T (p.Trp34Leu)

Gene: BARD1 (BRCA1 associated RING domain 1; minus strand). Cytogenetic location: 2q35.
Variant type: single nucleotide variant.
Coding change: c.101G>T on transcript NM_000465.4 (MANE Select); coding-DNA position 101, G replaced by T.
Protein change: p.Trp34Leu; replaces tryptophan 34 with leucine.
Molecular consequence: missense variant. On other transcripts: non-coding transcript variant (3).
Genome position (GRCh38, 1-based): chr2:214,809,469, C>A on the plus strand (G>T on the coding strand, the complement: BARD1 is on the minus strand). VCF-style: chr2-214809469-C-A. GRCh37 (hg19) VCF-style: chr2-215674193-C-A.
Other names: c.101G>T, p.Trp34Leu (NM_001282543.2, NM_001282545.2, NM_001282548.2 and 1 more transcripts); short protein forms W34L.
Identifiers: ClinVar variation 2819092 (VCV002819092.3), dbSNP rs876659387, ClinGen allele CA64810304.